The following is an entry in ClinVar:

NM_003238.6(TGFB2):c.1078C>T (p.His360Tyr)

Gene: TGFB2 (transforming growth factor beta 2; plus strand). Cytogenetic location: 1q41.
Variant type: single nucleotide variant.
Coding change: c.1078C>T on transcript NM_003238.6 (MANE Select); coding-DNA position 1078, C replaced by T.
Protein change: p.His360Tyr; replaces histidine 360 with tyrosine.
Molecular consequence: missense variant. On other transcripts: non-coding transcript variant (2).
Genome position (GRCh38, 1-based): chr1:218,437,488, C>T. VCF-style: chr1-218437488-C-T. GRCh37 (hg19) VCF-style: chr1-218610830-C-T.
Other names: c.1162C>T, p.His388Tyr (NM_001135599.4); short protein forms H360Y, H388Y.
Identifiers: ClinVar variation 1306511 (VCV001306511.2), dbSNP rs2102630186, ClinGen allele CA344727719.
Genomic context (GRCh38, chr1:218,437,488, plus strand): 5'-GGGTACAATGCCAACTTCTGTGCTGGAGCATGCCCGTATTTATGGAGTTCAGACACTCAG[C>T]ACAGCAGGGTGAGTGTTCAGCTTACCTGTTGCCTCTGTTCTTGGGTTACCATGTGCACCT-3'
Protein context (NP_003229.1, residues 350-370): CPYLWSSDTQ[His360Tyr]SRVLSLYNTI

ClinVar aggregate classification (germline): Uncertain significance (1 of 4 stars; one submission).

Allele frequency attached by ClinVar (database versions not stated): gnomAD exomes below 0.00001.
gnomAD v4.1: 2 of 1,611,320 alleles (0.00012%); highest among the groups gnomAD compares: Non-Finnish European, 0.00017%; no homozygotes.

Submission:

GeneDx
Classification: Uncertain significance. Last evaluated: 2019-06-21. Review status: criteria provided, single submitter. Criteria: GeneDx Variant Classification Process June 2021. Collection method: clinical testing. Allele origin: germline. Affected: yes.
Comment: Not observed in large population cohorts (Lek et al., 2016); Has not been previously published as pathogenic or benign to our knowledge; In silico analysis, which includes protein predictors and evolutionary conservation, supports that this variant does not alter protein structure/function